The following is an entry in ClinVar:

ClinVar aggregate classification (germline): Uncertain significance. Review status: criteria provided, multiple submitters, no conflicts (2 of 4 stars). 3 submissions from 3 submitters: Uncertain significance (3). Last evaluated 2025-06-18.

Conditions:
Polycystic kidney disease, adult type (PKD1). Also called: Polycystic Kidney, Autosomal Dominant; POLYCYSTIC KIDNEY DISEASE 1 WITH OR WITHOUT POLYCYSTIC LIVER DISEASE; POLYCYSTIC KIDNEY DISEASE, ADULT, TYPE I; Polycystic Kidney Disease 1, Autosomal Dominant; Polycystic kidney disease 1; Polycystic kidney disease 1, severe. Identifiers: MedGen C3149841, MONDO:0008263, OMIM 173900.
Inborn genetic diseases. Identifiers: MedGen C0950123, MeSH D030342.

gnomAD v4.1: 1 of 1,610,546 alleles (0.000062%); highest among the groups gnomAD compares: Non-Finnish European, 0.000085%; no homozygotes.

Submissions (3):

Ambry Genetics
Classification: Uncertain significance for Inborn genetic diseases. Last evaluated: 2025-06-18. Review status: criteria provided, single submitter. Criteria: Ambry Variant Classification Scheme 2023. Collection method: clinical testing. Allele origin: germline.

Fulgent Genetics
Classification: Uncertain significance for Polycystic kidney disease, adult type. Last evaluated: 2024-04-15. Review status: criteria provided, single submitter. Criteria: ACMG Guidelines, 2015. Collection method: clinical testing. Allele origin: germline.

GeneDx
Classification: Uncertain significance. Last evaluated: 2023-05-19. Review status: criteria provided, single submitter. Criteria: GeneDx Variant Classification Process June 2021. Collection method: clinical testing. Allele origin: germline. Affected: yes.
Comment: Not observed at significant frequency in large population cohorts (gnomAD); In silico analysis supports that this missense variant does not alter protein structure/function; Has not been previously published as pathogenic or benign to our knowledge

NM_001009944.3(PKD1):c.6735C>G (p.Ile2245Met)

Gene: PKD1 (polycystin 1, transient receptor potential channel interacting; minus strand). Cytogenetic location: 16p13.3.
Variant type: single nucleotide variant.
Coding change: c.6735C>G on transcript NM_001009944.3 (MANE Select); coding-DNA position 6735, C replaced by G.
Protein change: p.Ile2245Met; replaces isoleucine 2245 with methionine.
Molecular consequence: missense variant.
Genome position (GRCh38, 1-based): chr16:2,108,432, G>C on the plus strand (C>G on the coding strand, the complement: PKD1 is on the minus strand). VCF-style: chr16-2108432-G-C. GRCh37 (hg19) VCF-style: chr16-2158433-G-C.
Other names: c.6735C>G (NM_000296.3); c.6735C>G, p.Ile2245Met (NM_000296.4); short protein forms I2245M.
Identifiers: ClinVar variation 3343389 (VCV003343389.3).
Genomic context (GRCh38, chr16:2,108,432, plus strand): 5'-GTATGAGCCACCCTCAATGATGGGCACCAGGCGCTCGGGGGCCACCGTCACATTGGCCTG[G>C]ATGCTCTGTGTCAGTGGCGTGTCCCCAAATGACACGACAAACACAAAGCAGTAGTGCCCC-3'
Protein context (NP_001009944.3, residues 2235-2255): SFGDTPLTQS[Ile2245Met]QANVTVAPER